The following is an entry in ClinVar:

ClinVar aggregate classification (germline): Conflicting classifications of pathogenicity. Review status: criteria provided, conflicting classifications (1 of 4 stars). 7 submissions from 7 submitters: Uncertain significance (6); Likely benign (1). Last evaluated 2026-03-09.

Conditions:
Hereditary breast ovarian cancer syndrome. Also called: BRCA1- and BRCA2-Associated Hereditary Breast and Ovarian Cancer; Hereditary breast and ovarian cancer syndrome (HBOC); Hereditary breast and ovarian cancer syndrome; Breast and ovarian cancer; Hereditary breast and ovarian cancer; Hereditary breast and/or ovarian cancer syndrome. Identifiers: Orphanet 145, MedGen C0677776, MeSH D061325, MONDO:0003582. Disease mechanism: loss of function.
Hereditary cancer-predisposing syndrome. Also called: Hereditary Cancer Syndrome; Hereditary neoplastic syndrome; Neoplastic Syndromes, Hereditary; Tumor predisposition. Identifiers: Orphanet 140162, MedGen C0027672, MeSH D009386, MONDO:0015356.
Breast-ovarian cancer, familial, susceptibility to, 1 (BROVCA1). Also called: OVARIAN CANCER, SUSCEPTIBILITY TO; BRCA1 Hereditary Breast and Ovarian Cancer. Identifiers: Orphanet 145, MedGen C2676676, MONDO:0011450, OMIM 604370. Disease mechanism: loss of function.

Allele frequency attached by ClinVar (database versions not stated): gnomAD exomes below 0.00001; TOPMed 0.00002.
gnomAD v4.1: 2 of 1,613,574 alleles (0.00012%); highest among the groups gnomAD compares: Non-Finnish European, 0.00017%; no homozygotes.

Submissions (7):

Myriad Genetics, Inc.
Classification: Likely benign for Breast-ovarian cancer, familial, susceptibility to, 1. Last evaluated: 2026-03-09. Review status: criteria provided, single submitter. Criteria: Myriad Autosomal Dominant, Autosomal Recessive and X-Linked Classification Criteria (2023). Collection method: clinical testing. Allele origin: unknown.
Comment: This variant is considered likely benign. This variant is strongly associated with less severe personal and family histories of cancer, typical for individuals without pathogenic variants in this gene [PMID: 25085752].

Labcorp Genetics (formerly Invitae), Labcorp
Classification: Uncertain significance for Hereditary breast ovarian cancer syndrome. Last evaluated: 2024-06-10. Review status: criteria provided, single submitter. Criteria: Invitae Variant Classification Sherloc (09022015). Collection method: clinical testing. Allele origin: germline.
Comment: This sequence change replaces proline, which is neutral and non-polar, with serine, which is neutral and polar, at codon 1491 of the BRCA1 protein (p.Pro1491Ser). This variant is not present in population databases (gnomAD no frequency). This variant has not been reported in the literature in individuals affected with BRCA1-related conditions. ClinVar contains an entry for this variant (Variation ID: 801076). Advanced modeling of protein sequence and biophysical properties (such as structural, functional, and spatial information, amino acid conservation, physicochemical variation, residue mobility, and thermodynamic stability) performed at Invitae indicates that this missense variant is not expected to disrupt BRCA1 protein function with a negative predictive value of 95%. In summary, the available evidence is currently insufficient to determine the role of this variant in disease. Therefore, it has been classified as a Variant of Uncertain Significance.

Ambry Genetics
Classification: Uncertain significance for Hereditary cancer-predisposing syndrome. Last evaluated: 2024-01-19. Review status: criteria provided, single submitter. Criteria: Ambry Variant Classification Scheme 2023. Collection method: clinical testing. Allele origin: germline.
Comment: The p.P1491S variant (also known as c.4471C>T), located in coding exon 12 of the BRCA1 gene, results from a C to T substitution at nucleotide position 4471. The proline at codon 1491 is replaced by serine, an amino acid with similar properties. This alteration was observed with an allele frequency of 0.00014 in 7,051 unselected female breast cancer patients and 0/11,241 female controls of Japanese ancestry (Momozawa Y et al. Nat Commun, 2018 10;9:4083). This amino acid position is not well conserved in available vertebrate species. In addition, this alteration is predicted to be tolerated by in silico analysis. Since supporting evidence is limited at this time, the clinical significance of this alteration remains unclear.

GeneDx
Classification: Uncertain significance. Last evaluated: 2021-06-21. Review status: criteria provided, single submitter. Criteria: GeneDx Variant Classification Process June 2021. Collection method: clinical testing. Allele origin: germline. Affected: yes.
Comment: Not observed at significant frequency in large population cohorts (Lek 2016); In silico analysis supports that this missense variant has a deleterious effect on protein structure/function; Has not been previously published as pathogenic or benign to our knowledge; This variant is associated with the following publications: (PMID: 27535533, 15343273, 22737296)

Women's Health and Genetics/Laboratory Corporation of America, LabCorp
Classification: Uncertain significance. Last evaluated: 2021-04-24. Review status: criteria provided, single submitter. Criteria: LabCorp Variant Classification Summary - May 2015. Collection method: clinical testing. Allele origin: germline.
Comment: Variant summary: BRCA1 c.4471C>T (p.Pro1491Ser) results in a non-conservative amino acid change in the encoded protein sequence. Four of five in-silico tools predict a benign effect of the variant on protein function. The variant allele was found at a frequency of 4e-06 in 251202 control chromosomes. The available data on variant occurrences in the general population are insufficient to allow any conclusion about variant significance. To our knowledge, no occurrence of c.4471C>T in individuals affected with Hereditary Breast And Ovarian Cancer Syndrome and no experimental evidence demonstrating its impact on protein function have been reported. Three clinical diagnostic laboratories have submitted clinical-significance assessments for this variant to ClinVar after 2014 without evidence for independent evaluation. All laboratories classified the variant as uncertain significance. Based on the evidence outlined above, the variant was classified as uncertain significance.

Color Diagnostics, LLC DBA Color Health
Classification: Uncertain significance for Hereditary cancer-predisposing syndrome. Last evaluated: 2019-02-06. Review status: criteria provided, single submitter. Criteria: ACMG Guidelines, 2015. Collection method: clinical testing. Allele origin: germline.

Quest Diagnostics Nichols Institute San Juan Capistrano
Classification: Uncertain significance. Last evaluated: 2018-09-10. Review status: criteria provided, single submitter. Criteria: Quest Diagnostics criteria. Collection method: clinical testing. Allele origin: germline.

Literature cited by the submitters: PubMed 25085752 (cited by Myriad Genetics, Inc.); PubMed 30287823 (cited by Ambry Genetics).

NM_007294.4(BRCA1):c.4471C>T (p.Pro1491Ser)

Gene: BRCA1 (BRCA1 DNA repair associated; minus strand). Cytogenetic location: 17q21.31.
Variant type: single nucleotide variant.
Coding change: c.4471C>T on transcript NM_007294.4 (MANE Select); coding-DNA position 4471, C replaced by T.
Protein change: p.Pro1491Ser; replaces proline 1491 with serine.
Molecular consequence: missense variant. On other transcripts: non-coding transcript variant (1).
Genome position (GRCh38, 1-based): chr17:43,076,501, G>A on the plus strand (C>T on the coding strand, the complement: BRCA1 is on the minus strand). VCF-style: chr17-43076501-G-A. GRCh37 (hg19) VCF-style: chr17-41228518-G-A.
Other names: c.4258C>T, p.Pro1420Ser (NM_001407571.1, NM_001407894.1, NM_001407895.1 and 12 more transcripts); c.4537C>T, p.Pro1513Ser (NM_001407581.1, NM_001407582.1); c.4534C>T, p.Pro1512Ser (NM_001407583.1, NM_001407585.1, NM_001407587.1 and 1 more transcripts); c.4531C>T, p.Pro1511Ser (NM_001407590.1, NM_001407591.1); c.4471C>T, p.Pro1491Ser (NM_001407593.1, NM_001407594.1, NM_001407596.1 and 8 more transcripts); c.4468C>T, p.Pro1490Ser (NM_001407610.1, NM_001407611.1, NM_001407622.1 and 17 more transcripts); c.4465C>T, p.Pro1489Ser (NM_001407627.1, NM_001407628.1, NM_001407629.1 and 14 more transcripts); c.4462C>T, p.Pro1488Ser (NM_001407644.1, NM_001407645.1); and 68 more; short protein forms P1444S, P1512S, P387S, P1491S, P1378S, P1380S, P1421S, P1448S.
Identifiers: ClinVar variation 801076 (VCV000801076.19), dbSNP rs111034213, ClinGen allele CA10592588.